The following is an entry in ClinVar:

ClinVar aggregate classification (germline): Pathogenic. Review status: criteria provided, multiple submitters, no conflicts (2 of 4 stars). 3 submissions from 3 submitters: Pathogenic (3). Last evaluated 2023-05-05.

Conditions:
Familial adenomatous polyposis 1 (FAP1). Also called: POLYPOSIS, ADENOMATOUS INTESTINAL; FAMILIAL ADENOMATOUS POLYPOSIS 1, ATTENUATED. Identifiers: MedGen C2713442, MONDO:0021056, OMIM 175100. Disease mechanism: loss of function.
Hereditary cancer-predisposing syndrome. Also called: Hereditary neoplastic syndrome; Neoplastic Syndromes, Hereditary; Tumor predisposition; Hereditary Cancer Syndrome. Identifiers: Orphanet 140162, MedGen C0027672, MeSH D009386, MONDO:0015356.

Submissions (3):

Myriad Genetics, Inc.
Classification: Pathogenic for Familial adenomatous polyposis 1. Last evaluated: 2023-05-05. Review status: criteria provided, single submitter. Criteria: Myriad Autosomal Dominant, Autosomal Recessive and X-Linked Classification Criteria (2023). Collection method: clinical testing. Allele origin: unknown.
Comment: This variant is considered pathogenic. This variant creates a frameshift predicted to result in premature protein truncation.

Labcorp Genetics (formerly Invitae), Labcorp
Classification: Pathogenic for Familial adenomatous polyposis 1. Last evaluated: 2023-04-28. Review status: criteria provided, single submitter. Criteria: Invitae Variant Classification Sherloc (09022015). Collection method: clinical testing. Allele origin: germline.
Comment: A different truncation (p.Tyr2645Lysfs*14) that lies downstream of this variant has been determined to be pathogenic (PMID: 9824584, 1316610, 27081525, 8381579, 22135120, Invitae). This suggests that deletion of this region of the APC protein is causative of disease. This variant is expected to disrupt the EB1 and HDLG binding sites, which mediate interactions with the cytoskeleton (PMID: 15311282, 17293347). While functional studies have not been performed to directly test the effect on APC protein function, this suggests that disruption of the C-terminal portion of the protein is functionally important. ClinVar contains an entry for this variant (Variation ID: 469778). This premature translational stop signal has been observed in individual(s) with familial adenomatous polyposis (PMID: 1316610, 17064931, 23159591). This variant is not present in population databases (gnomAD no frequency). This sequence change creates a premature translational stop signal (p.Glu955Asnfs*10) in the APC gene. While this is not anticipated to result in nonsense mediated decay, it is expected to disrupt the last 1889 amino acid(s) of the APC protein. For these reasons, this variant has been classified as Pathogenic.

Ambry Genetics
Classification: Pathogenic for Hereditary cancer-predisposing syndrome. Last evaluated: 2022-09-22. Review status: criteria provided, single submitter. Criteria: Ambry Variant Classification Scheme 2023. Collection method: clinical testing. Allele origin: germline.
Comment: The c.2863delG pathogenic mutation, located in coding exon 15 of the APC gene, results from a deletion of one nucleotide at nucleotide position 2863, causing a translational frameshift with a predicted alternate stop codon (p.E955Nfs*10). This alteration has been reported in one patient from a large cohort of individuals evaluated for familial adenomatous polyposis (Kerr SE et al. J. Mol. Diagn. 2013 Jan;15:31-43). In addition to the clinical data presented in the literature, this alteration is expected to result in loss of function by premature protein truncation. As such, this alteration is interpreted as a disease-causing mutation.

Literature cited by the submitters: PubMed 9824584 (cited by Labcorp Genetics (formerly Invitae), Labcorp); PubMed 1316610 (cited by Labcorp Genetics (formerly Invitae), Labcorp); PubMed 27081525 (cited by Labcorp Genetics (formerly Invitae), Labcorp); PubMed 8381579 (cited by Labcorp Genetics (formerly Invitae), Labcorp); PubMed 22135120 (cited by Labcorp Genetics (formerly Invitae), Labcorp); PubMed 15311282 (cited by Labcorp Genetics (formerly Invitae), Labcorp); PubMed 17293347 (cited by Labcorp Genetics (formerly Invitae), Labcorp); PubMed 17064931 (cited by Labcorp Genetics (formerly Invitae), Labcorp); PubMed 23159591 (cited by Labcorp Genetics (formerly Invitae), Labcorp and Ambry Genetics).

NM_000038.6(APC):c.2863del (p.Glu955fs)

Gene: APC (APC regulator of Wnt signaling pathway; plus strand). Cytogenetic location: 5q22.2.
Variant type: Deletion.
Coding change: c.2863del on transcript NM_000038.6 (MANE Select); coding-DNA position 2863, one base deleted (G; older notation c.2863delG).
Protein change: p.Glu955fs; shifts the reading frame from glutamic acid 955.
Molecular consequence: frameshift variant.
Genome position (GRCh38, 1-based): chr5:112,838,457, G deleted. VCF-style (leftmost placement, unchanged base first): chr5-112838456-AG-A. GRCh37 (hg19) VCF-style: chr5-112174153-AG-A.
Other names: c.2863del, p.Glu955fs (NM_001127510.3, NM_001354895.2); c.2809del, p.Glu937fs (NM_001127511.3); c.2917del, p.Glu973fs (NM_001354896.2); c.2893del, p.Glu965fs (NM_001354897.2); c.2788del, p.Glu930fs (NM_001354898.2); c.2779del, p.Glu927fs (NM_001354899.2); c.2740del, p.Glu914fs (NM_001354900.2); c.2686del, p.Glu896fs (NM_001354901.2); and 6 more; short protein forms E672fs, E896fs, E914fs, E955fs, E973fs, E854fs, E864fs, E930fs.
Identifiers: ClinVar variation 469778 (VCV000469778.17), dbSNP rs1554084553, ClinGen allele CA658655996.